The following is an entry in ClinVar:

ClinVar aggregate classification (germline): Conflicting classifications of pathogenicity. Review status: criteria provided, conflicting classifications (1 of 4 stars). 3 submissions from 3 submitters: Uncertain significance (1); Likely benign (2). Last evaluated 2025-05-16.

Conditions:
Long QT syndrome (LQTS). Identifiers: MedGen C0023976, MeSH D008133, MONDO:0002442. Disease mechanism: loss of function. Inheritance: Various modes of inheritance.

Allele frequency attached by ClinVar (database versions not stated): TOPMed 0.00002; ExAC 0.00001; gnomAD 0.00001; gnomAD exomes 0.00001.
gnomAD v4.1: 12 of 1,613,692 alleles (0.00074%); highest among the groups gnomAD compares: Non-Finnish European, 0.00085%; no homozygotes.

Submissions (3):

Labcorp Genetics (formerly Invitae), Labcorp
Classification: Likely benign for Long QT syndrome. Last evaluated: 2025-05-16. Review status: criteria provided, single submitter. Criteria: Invitae Variant Classification Sherloc (09022015). Collection method: clinical testing. Allele origin: germline.

GeneDx
Classification: Likely benign. Last evaluated: 2018-02-20. Review status: criteria provided, single submitter. Criteria: GeneDx Variant Classification (06012015). Collection method: clinical testing. Allele origin: germline. Affected: yes.
Comment: This variant is considered likely benign or benign based on one or more of the following criteria: it is a conservative change, it occurs at a poorly conserved position in the protein, it is predicted to be benign by multiple in silico algorithms, and/or has population frequency not consistent with disease.

Women's Health and Genetics/Laboratory Corporation of America, LabCorp
Classification: Uncertain significance. Last evaluated: 2017-06-26. Review status: criteria provided, single submitter. Criteria: LabCorp Variant Classification Summary - May 2015. Collection method: clinical testing. Allele origin: germline.
Comment: Variant summary: The ANK2 c.1783-4A>G variant involves the alteration of a non-conserved intronic nucleotide that 5/5 splice prediction tools predict no significant impact on normal splicing. ESE finder predicts alterations to ESE binding. However, these predictions have yet to be confirmed by functional studies. This variant was found in 1/121216 control chromosomes at a frequency of 0.0000082, which does not exceed the estimated maximal expected allele frequency of a pathogenic ANK2 variant (0.00001). The variant of interest has not, to our knowledge, been reported in affected individuals via publications and/or reputable databases/clinical diagnostic laboratories; nor evaluated for functional impact by in vivo/vitro studies. Because of the absence of clinical information and the lack of functional studies, the variant is classified as a "Variant of Uncertain Significance (VUS)," until additional information becomes available.

NM_001148.6(ANK2):c.1783-4A>G

Gene: ANK2 (ankyrin 2; plus strand). Cytogenetic location: 4q26.
Variant type: single nucleotide variant.
Coding change: c.1783-4A>G on transcript NM_001148.6 (MANE Select); 4 bases into the intron before coding-DNA position 1783, A replaced by G.
Molecular consequence: intron variant.
Genome position (GRCh38, 1-based): chr4:113,278,456, A>G. VCF-style: chr4-113278456-A-G. GRCh37 (hg19) VCF-style: chr4-114199612-A-G.
Other names: c.1771-4A>G (NM_001386186.2, NM_001386148.2); c.1573-4A>G (NM_001354269.3); c.1747-4A>G (NM_001386187.2); c.1741-4A>G (NM_001386147.1, NM_001386160.1, NM_001354261.2); c.1720-4A>G (NM_001354254.2, NM_001354239.2, NM_001354252.2 and 10 more transcripts); c.1719+521A>G (NM_001354253.2, NM_001354270.2, NM_001354257.2 and 1 more transcripts); c.1696-4A>G (NM_001354249.2, NM_001354266.2, NM_001354276.2 and 10 more transcripts); c.1695+521A>G (NM_001386151.1, NM_001354260.2, NM_001354271.2); and 8 more.
Identifiers: ClinVar variation 496107 (VCV000496107.2), dbSNP rs755543636, ClinGen allele CA3050378.